The following is an entry in ClinVar:

ClinVar aggregate classification (germline): Pathogenic (1 of 4 stars; one submission).

Conditions:
Hypercholesterolemia, autosomal dominant, type B (FHCL2). Also called: APOB-Related Familial Hypercholesterolemia, Autosomal Dominant; Hyperlipoproteinemia Type IIb; Familial Hypercholesterolemia Type B; APOLIPOPROTEIN B-100, FAMILIAL DEFECTIVE; APOLIPOPROTEIN B-100, FAMILIAL LIGAND-DEFECTIVE; HYPERCHOLESTEROLEMIA, FAMILIAL, DUE TO LIGAND-DEFECTIVE APOLIPOPROTEIN B. Identifiers: MedGen C1704417, MONDO:0007751, OMIM 144010.
Familial hypobetalipoproteinemia 1. Also called: Hypobetalipoproteinemia, normotriglyceridemic; Acanthocytosis with hypobetalipoproteinemia; APOB-Related Familial Hypobetalipoproteinemia. Identifiers: MedGen C4551990, MONDO:0014252, OMIM 615558.

Allele frequency attached by ClinVar (database versions not stated): gnomAD exomes below 0.00001.
gnomAD v4.1: 1 of 1,614,244 alleles (0.000062%); highest among the groups gnomAD compares: Non-Finnish European, 0.000085%; no homozygotes.

Submission:

Labcorp Genetics (formerly Invitae), Labcorp
Classification: Pathogenic for Familial hypobetalipoproteinemia 1; Hypercholesterolemia, autosomal dominant, type B. Last evaluated: 2025-01-11. Review status: criteria provided, single submitter. Criteria: Invitae Variant Classification Sherloc (09022015). Collection method: clinical testing. Allele origin: germline.
Comment: This sequence change creates a premature translational stop signal (p.Tyr1363*) in the APOB gene. It is expected to result in an absent or disrupted protein product. Loss-of-function variants in APOB are known to be pathogenic (PMID: 20032471). This variant is not present in population databases (gnomAD no frequency). This premature translational stop signal has been observed in individual(s) with hypocholesterolemia (PMID: 17043676). It has also been observed to segregate with disease in related individuals. ClinVar contains an entry for this variant (Variation ID: 477784). For these reasons, this variant has been classified as Pathogenic.

Literature cited by the submitters: PubMed 20032471; PubMed 17043676.

NM_000384.3(APOB):c.4089C>A (p.Tyr1363Ter)

Gene: APOB (apolipoprotein B; minus strand). Cytogenetic location: 2p24.1.
Variant type: single nucleotide variant.
Coding change: c.4089C>A on transcript NM_000384.3 (MANE Select); coding-DNA position 4089, C replaced by A.
Protein change: p.Tyr1363Ter; replaces tyrosine 1363 with a stop codon.
Molecular consequence: nonsense.
Genome position (GRCh38, 1-based): chr2:21,013,287, G>T on the plus strand (C>A on the coding strand, the complement: APOB is on the minus strand). VCF-style: chr2-21013287-G-T. GRCh37 (hg19) VCF-style: chr2-21236159-G-T.
Other names: short protein forms Y1363*.
Identifiers: ClinVar variation 477784 (VCV000477784.12), dbSNP rs1553384177, ClinGen allele CA346007651.